The following is an entry in ClinVar:

ClinVar aggregate classification (germline): Uncertain significance (1 of 4 stars; one submission).

Conditions:
Left ventricular noncompaction 8 (LVNC8). Identifiers: Orphanet 154, Orphanet 54260, MedGen C3809288, MONDO:0014152, OMIM 615373.

Submission:

Labcorp Genetics (formerly Invitae), Labcorp
Classification: Uncertain significance for Left ventricular noncompaction 8. Last evaluated: 2025-11-07. Review status: criteria provided, single submitter. Criteria: Invitae Variant Classification Sherloc (09022015). Collection method: clinical testing. Allele origin: germline.
Comment: This sequence change falls in intron 6 of the PRDM16 gene. It does not directly change the encoded amino acid sequence of the PRDM16 protein. This variant is not present in population databases (gnomAD no frequency). This variant has not been reported in the literature in individuals affected with PRDM16-related conditions. ClinVar contains an entry for this variant (Variation ID: 3681751). Experimental studies and prediction algorithms are not available or were not evaluated, and the effect of this variant on mRNA splicing is currently unknown. In summary, the available evidence is currently insufficient to determine the role of this variant in disease. Therefore, it has been classified as a Variant of Uncertain Significance.

NM_022114.4(PRDM16):c.884+8_884+38dup

Gene: PRDM16 (PR/SET domain 16; plus strand). Cytogenetic location: 1p36.32.
Variant type: Duplication.
Coding change: c.884+8_884+38dup on transcript NM_022114.4 (MANE Select); bases 8 to 38 of the intron after coding-DNA position 884, 31 bases duplicated.
Molecular consequence: intron variant.
Genome position (GRCh38, 1-based): chr1:3,403,006-3,403,036, 31 bases duplicated. GRCh37 (hg19): chr1:3,319,570-3,319,600.
Other names: c.884+8_884+38dup (NM_199454.3).
Identifiers: ClinVar variation 3681751 (VCV003681751.2).